The following is an entry in ClinVar:

ClinVar aggregate classification (germline): Likely benign. Review status: criteria provided, multiple submitters, no conflicts (2 of 4 stars). 2 submissions from 2 submitters: Likely benign (2). Last evaluated 2023-10-02.

Conditions:
Malignant hyperthermia, susceptibility to, 1 (MHS1). Also called: Anesthesia related hyperthermia; Malignant hyperpyrexia; Fulminating hyperpyrexia; Pharmacogenic myopathy; RYR1-Related Malignant Hyperthermia Susceptibility; Malignant hyperthermia suceptibility 1. Identifiers: Orphanet 423, MedGen C2930980, MONDO:0007783, OMIM 145600.

Allele frequency attached by ClinVar (database versions not stated): gnomAD exomes below 0.00001.
gnomAD v4.1: 1 of 1,599,128 alleles (0.000063%); highest among the groups gnomAD compares: Non-Finnish European, 0.000085%; no homozygotes.

Submissions (2):

All of Us Research Program, National Institutes of Health
Classification: Likely benign for Malignant hyperthermia, susceptibility to, 1. Last evaluated: 2023-10-02. Review status: criteria provided, single submitter. Criteria: ACMG Guidelines, 2015. Collection method: clinical testing. Allele origin: germline. Inheritance: Autosomal dominant inheritance. Observed: 1 variant allele, 1 heterozygote.
Comment: This study involves interpretation of variants in research participants for the purpose of population health screening. Participant phenotype was not available at the time of variant classification. Additional details can be found in publication PMID: 35346344, PMCID: PMC8962531

Color Diagnostics, LLC DBA Color Health
Classification: Likely benign for Malignant hyperthermia, susceptibility to, 1. Last evaluated: 2022-11-06. Review status: criteria provided, single submitter. Criteria: ACMG Guidelines, 2015. Collection method: clinical testing. Allele origin: germline.

NM_000540.3(RYR1):c.10239C>T (p.Ile3413=)

Gene: RYR1 (ryanodine receptor 1; plus strand). Cytogenetic location: 19q13.2.
Variant type: single nucleotide variant.
Coding change: c.10239C>T on transcript NM_000540.3 (MANE Select); coding-DNA position 10239, C replaced by T.
Protein change: p.Ile3413=; no amino-acid change (isoleucine 3413 retained).
Molecular consequence: synonymous variant.
Genome position (GRCh38, 1-based): chr19:38,519,434, C>T. VCF-style: chr19-38519434-C-T. GRCh37 (hg19) VCF-style: chr19-39010074-C-T.
Other names: c.10239C>T, p.Ile3413= (NM_001042723.2).
Identifiers: ClinVar variation 3073627 (VCV003073627.2), dbSNP rs2514444473, ClinGen allele CA507354663.